The following is an entry in ClinVar:

NM_182961.4(SYNE1):c.24814C>T (p.Arg8272Ter)

Gene: SYNE1 (spectrin repeat containing nuclear envelope protein 1; minus strand). Cytogenetic location: 6q25.2.
Variant type: single nucleotide variant.
Coding change: c.24814C>T on transcript NM_182961.4 (MANE Select); coding-DNA position 24814, C replaced by T.
Protein change: p.Arg8272Ter; replaces arginine 8272 with a stop codon.
Molecular consequence: nonsense.
Genome position (GRCh38, 1-based): chr6:152,148,207, G>A on the plus strand (C>T on the coding strand, the complement: SYNE1 is on the minus strand). VCF-style: chr6-152148207-G-A. GRCh37 (hg19) VCF-style: chr6-152469342-G-A.
Other names: c.1420C>T, p.Arg474Ter (NM_001347701.2); c.1279C>T, p.Arg427Ter (NM_001347702.2); c.24601C>T, p.Arg8201Ter (NM_033071.5); short protein forms R427*, R474*, R8201*, R8272*.
Identifiers: ClinVar variation 1184951 (VCV001184951.3), dbSNP rs761433022, ClinGen allele CA4053062.

ClinVar aggregate classification (germline): Pathogenic. Review status: criteria provided, single submitter (1 of 4 stars). 2 submissions from 2 submitters: Pathogenic (1). 1 of the submissions does not count toward it. Last evaluated 2021-06-17.

Conditions:
Autosomal recessive ataxia, Beauce type. Also called: ATAXIA, RECESSIVE, OF BEAUCE; Spinocerebellar ataxia, autosomal recessive 8; SYNE1 Deficiency; SYNE1-Related Autosomal Recessive Cerebellar Ataxia. Identifiers: Orphanet 88644, MedGen C1853116, MONDO:0012549, OMIM 610743.

Allele frequency attached by ClinVar (database versions not stated): TOPMed below 0.00001; ExAC 0.00001; gnomAD exomes 0.00001.
gnomAD v4.1: 10 of 1,614,164 alleles (0.00062%); highest among the groups gnomAD compares: Admixed American, 0.0017%; no homozygotes.

Submissions (2):

Institute of Medical Genetics and Applied Genomics, University Hospital Tübingen
Classification: Pathogenic. Last evaluated: 2021-06-17. Review status: criteria provided, single submitter. Criteria: ACMG Guidelines, 2015. Collection method: clinical testing. Allele origin: germline. Inheritance: Autosomal recessive inheritance. Affected: yes.

Solve-RD Consortium
Classification: Likely pathogenic for Autosomal recessive ataxia, Beauce type. Last evaluated: 2022-06-01. Review status: no assertion criteria provided. Collection method: provider interpretation. Allele origin: inherited. Affected: yes. Not counted in ClinVar's aggregate classification.
Comment: Variant confirmed as disease-causing by referring clinical team

Variant identified during reanalysis of unsolved cases by the Solve-RD project. The Solve-RD project has received funding from the European Union’s Horizon 2020 research and innovation programme under grant agreement No 779257.

Literature cited by the submitters: PubMed 39825153 (cited by Solve-RD Consortium).